The following is an entry in ClinVar:

NM_001429.4(EP300):c.5029G>A (p.Val1677Met)

Gene: EP300 (E1A binding protein p300; plus strand). Cytogenetic location: 22q13.2.
Variant type: single nucleotide variant.
Coding change: c.5029G>A on transcript NM_001429.4 (MANE Select); coding-DNA position 5029, G replaced by A.
Protein change: p.Val1677Met; replaces valine 1677 with methionine.
Molecular consequence: missense variant.
Genome position (GRCh38, 1-based): chr22:41,176,496, G>A. VCF-style: chr22-41176496-G-A. GRCh37 (hg19) VCF-style: chr22-41572500-G-A.
Other names: c.4951G>A, p.Val1651Met (NM_001362843.2); short protein forms V1651M, V1677M.
Identifiers: ClinVar variation 3384656 (VCV003384656.1).

ClinVar aggregate classification (germline): Uncertain significance (1 of 4 stars; one submission).

Submission:

GeneDx
Classification: Uncertain significance. Last evaluated: 2024-06-06. Review status: criteria provided, single submitter. Criteria: GeneDx Variant Classification Process June 2021. Collection method: clinical testing. Allele origin: germline. Affected: yes.
Comment: Not observed at significant frequency in large population cohorts (gnomAD); In silico analysis supports that this missense variant has a deleterious effect on protein structure/function; Has not been previously published as pathogenic or benign to our knowledge